The following is an entry in ClinVar:

ClinVar aggregate classification (germline): Conflicting classifications of pathogenicity. Review status: criteria provided, conflicting classifications (1 of 4 stars). 9 submissions from 8 submitters: Uncertain significance (2); Benign (3); Likely benign (2). 2 of the submissions do not count toward it. Last evaluated 2026-01-24.

Conditions:
CDH23-related disorder. Also called: CDH23-related condition; CDH23-related disorders.
Usher syndrome type 1 (USH1). Also called: RETINITIS PIGMENTOSA AND CONGENITAL DEAFNESS. Identifiers: Orphanet 231169, Orphanet 886, MedGen C1568247, MONDO:0010168, OMIM 276900.
Autosomal recessive nonsyndromic hearing loss 12. Also called: DEAFNESS, AUTOSOMAL RECESSIVE 12. Identifiers: Orphanet 90636, MedGen C1832394, MONDO:0011067, OMIM 601386.
Usher syndrome type 1D (USH1D). Also called: USHER SYNDROME, TYPE ID. Identifiers: Orphanet 231169, Orphanet 886, MedGen C1832845, MONDO:0010984, OMIM 601067.

Allele frequency attached by ClinVar (database versions not stated): gnomAD exomes 0.00049; ExAC 0.00079; ESP Exome Variant Server 0.00184; TOPMed 0.00192; gnomAD 0.00193 and 0.00203; 1000 Genomes Project 30x 0.00281; 1000 Genomes Project 0.00319.
gnomAD v4.1: 563 of 1,584,082 alleles (0.036%); highest among the groups gnomAD compares: African/African-American, 0.68%; 2 homozygotes.

Submissions (9):

Labcorp Genetics (formerly Invitae), Labcorp
Classification: Benign. Last evaluated: 2026-01-24. Review status: criteria provided, single submitter. Criteria: Invitae Variant Classification Sherloc (09022015). Collection method: clinical testing. Allele origin: germline.

CeGaT Center for Human Genetics Tuebingen
Classification: Likely benign. Last evaluated: 2025-03-01. Review status: criteria provided, single submitter. Criteria: CeGaT Center For Human Genetics Tuebingen Variant Classification Criteria Version 2. Collection method: clinical testing. Allele origin: germline. Affected: yes. Observed: 1 variant allele.
Comment: CDH23: BP4, BP7

Blueprint Genetics
Classification: Likely benign. Last evaluated: 2024-11-13. Review status: criteria provided, single submitter. Criteria: ACMG Guidelines, 2015. Collection method: clinical testing. Allele origin: germline.

Illumina Laboratory Services, Illumina
Classification: Uncertain significance for Autosomal recessive nonsyndromic hearing loss 12. Last evaluated: 2018-01-13. Review status: criteria provided, single submitter. Criteria: ICSL Variant Classification Criteria 13 December 2019. Collection method: clinical testing. Allele origin: germline.

Illumina Laboratory Services, Illumina
Classification: Uncertain significance for Usher syndrome type 1D. Last evaluated: 2018-01-13. Review status: criteria provided, single submitter. Criteria: ICSL Variant Classification Criteria 13 December 2019. Collection method: clinical testing. Allele origin: germline.

Eurofins Ntd Llc (ga)
Classification: Benign. Last evaluated: 2017-01-26. Review status: criteria provided, single submitter. Criteria: EGL Classification Definitions 2015. Collection method: clinical testing. Allele origin: germline. Observed: 1 variant allele, 1 heterozygote.

Laboratory for Molecular Medicine, Mass General Brigham Personalized Medicine
Classification: Benign. Last evaluated: 2012-05-15. Review status: criteria provided, single submitter. Criteria: LMM Criteria. Collection method: clinical testing. Allele origin: germline. Observed: 2 variant alleles.
Comment: Ile2235Ile in Exon 48 of CDH23: This variant is not expected to have clinical si gnificance because it does not alter an amino acid residue, is not located withi n the splice consensus sequence, and has been identified in 0.5% (17/3444) of Af rican American chromosomes from a broad population by the NHLBI Exome Sequencing Project (dbSNP rs114827737).

Natera, Inc.
Classification: Benign for Usher syndrome type 1. Last evaluated: 2020-09-16. Review status: no assertion criteria provided. Collection method: clinical testing. Allele origin: germline. Not counted in ClinVar's aggregate classification.

PreventionGenetics, part of Exact Sciences
Classification: Likely benign for CDH23-related condition. Last evaluated: 2019-08-07. Review status: no assertion criteria provided. Collection method: clinical testing. Allele origin: germline. Not counted in ClinVar's aggregate classification.
Comment: This variant is classified as likely benign based on ACMG/AMP sequence variant interpretation guidelines (Richards et al. 2015 PMID: 25741868, with internal and published modifications).

NM_022124.6(CDH23):c.6705C>T (p.Ile2235=)

Gene: CDH23 (cadherin related 23; plus strand). Cytogenetic location: 10q22.1.
Variant type: single nucleotide variant.
Coding change: c.6705C>T on transcript NM_022124.6 (MANE Select); coding-DNA position 6705, C replaced by T.
Protein change: p.Ile2235=; no amino-acid change (isoleucine 2235 retained).
Molecular consequence: synonymous variant.
Genome position (GRCh38, 1-based): chr10:71,793,633, C>T. VCF-style: chr10-71793633-C-T. GRCh37 (hg19) VCF-style: chr10-73553390-C-T.
Identifiers: ClinVar variation 46018 (VCV000046018.34), dbSNP rs114827737, ClinGen allele CA137548.